The following is an entry in ClinVar:

ClinVar aggregate classification (germline): Pathogenic/Likely pathogenic. Review status: criteria provided, multiple submitters, no conflicts (2 of 4 stars). 7 submissions from 7 submitters: Pathogenic (4); Likely pathogenic (3). Last evaluated 2026-01-27.

Conditions:
Endometrial carcinoma. Also called: Endometrial carcinoma, somatic. Identifiers: MedGen C0476089, MONDO:0002447, OMIM 608089, HP:0012114.
Familial adenomatous polyposis 4 (FAP4). Also called: MSH3-related attenuated familial adenomatous polyposis. Identifiers: Orphanet 480536, MedGen C4310719, MONDO:0044300, OMIM 617100.
Hereditary cancer-predisposing syndrome. Also called: Neoplastic Syndromes, Hereditary; Hereditary Cancer Syndrome; Tumor predisposition; Hereditary neoplastic syndrome. Identifiers: Orphanet 140162, MedGen C0027672, MeSH D009386, MONDO:0015356.

Allele frequency attached by ClinVar (database versions not stated): gnomAD 0.00001; gnomAD exomes 0.00001 and 0.00002; TOPMed 0.00002; ExAC 0.00003; ESP Exome Variant Server 0.00008.
gnomAD v4.1: 17 of 1,612,548 alleles (0.0011%); highest among the groups gnomAD compares: African/African-American, 0.0027%; no homozygotes.

Submissions (7):

Labcorp Genetics (formerly Invitae), Labcorp
Classification: Pathogenic. Last evaluated: 2026-01-27. Review status: criteria provided, single submitter. Criteria: Invitae Variant Classification Sherloc (09022015). Collection method: clinical testing. Allele origin: germline.
Comment: This sequence change creates a premature translational stop signal (p.Arg727*) in the MSH3 gene. It is expected to result in an absent or disrupted protein product. Loss-of-function variants in MSH3 are known to be pathogenic (PMID: 27476653, 37402566). This variant is present in population databases (rs376667075, gnomAD 0.01%). This variant has not been reported in the literature in individuals affected with MSH3-related conditions. ClinVar contains an entry for this variant (Variation ID: 660274). Algorithms developed to predict the effect of sequence changes on RNA splicing suggest that this variant may disrupt the consensus splice site. For these reasons, this variant has been classified as Pathogenic.

OLLIN Analises Genomicas, OLLIN
Classification: Likely pathogenic for Familial adenomatous polyposis 4. Last evaluated: 2025-11-24. Review status: criteria provided, single submitter. Criteria: ACMG Guidelines 2015 PMID 25741868. Collection method: clinical testing. Allele origin: germline. Affected: yes. Observed: 1 variant allele.
Comment: The nonsense variant (chr5:80768929C>T), located in exon 15 (of 24), is reported in ClinVar (VCV000660274.24) and gnomAD v4.1 non-UKB with an allele frequency of 0.0014%. However, to our knowledge, this variant has not been reported in the scientific literature. This variant introduces an early stop codon, resulting in a truncated protein or mRNA degradation via nonsense-mediated decay (NMD). According to currently available evidence, this variant has been classified as likely pathogenic (PVS1, PM2_P).

CeGaT Center for Human Genetics Tuebingen
Classification: Pathogenic. Last evaluated: 2024-11-01. Review status: criteria provided, single submitter. Criteria: CeGaT Center For Human Genetics Tuebingen Variant Classification Criteria Version 2. Collection method: clinical testing. Allele origin: germline. Affected: yes. Observed: 1 variant allele.
Comment: MSH3: PVS1, PM2

Revvity Omics, Revvity
Classification: Likely pathogenic for Familial adenomatous polyposis 4. Last evaluated: 2024-02-13. Review status: criteria provided, single submitter. Criteria: ACMG Guidelines, 2015. Collection method: clinical testing. Allele origin: germline.

Ambry Genetics
Classification: Pathogenic for Hereditary cancer-predisposing syndrome. Last evaluated: 2023-12-19. Review status: criteria provided, single submitter. Criteria: Ambry Variant Classification Scheme 2023. Collection method: clinical testing. Allele origin: germline.
Comment: The p.R727* pathogenic mutation (also known as c.2179C>T), located in coding exon 15 of the MSH3 gene, results from a C to T substitution at nucleotide position 2179. This changes the amino acid from an arginine to a stop codon within coding exon 15. This variant is considered to be rare based on population cohorts in the Genome Aggregation Database (gnomAD). This alteration is expected to result in loss of function by premature protein truncation or nonsense-mediated mRNA decay. As such, this alteration is interpreted as a disease-causing mutation.

Myriad Genetics, Inc.
Classification: Pathogenic for Familial adenomatous polyposis 4. Last evaluated: 2023-08-30. Review status: criteria provided, single submitter. Criteria: Myriad Autosomal Dominant, Autosomal Recessive and X-Linked Classification Criteria (2023). Collection method: clinical testing. Allele origin: unknown.
Comment: This variant is considered pathogenic. This variant creates a termination codon and is predicted to result in premature protein truncation.

Baylor Genetics
Classification: Likely pathogenic for Endometrial carcinoma. Last evaluated: 2022-08-25. Review status: criteria provided, single submitter. Criteria: ACMG Guidelines, 2015. Collection method: clinical testing. Allele origin: unknown.

Literature cited by the submitters: PubMed 27476653 (cited by Labcorp Genetics (formerly Invitae), Labcorp); PubMed 37402566 (cited by Labcorp Genetics (formerly Invitae), Labcorp).

NM_002439.5(MSH3):c.2179C>T (p.Arg727Ter)

Gene: MSH3 (mutS homolog 3; plus strand). Cytogenetic location: 5q14.1.
Variant type: single nucleotide variant.
Coding change: c.2179C>T on transcript NM_002439.5 (MANE Select); coding-DNA position 2179, C replaced by T.
Protein change: p.Arg727Ter; replaces arginine 727 with a stop codon.
Molecular consequence: nonsense.
Genome position (GRCh38, 1-based): chr5:80,768,929, C>T. VCF-style: chr5-80768929-C-T. GRCh37 (hg19) VCF-style: chr5-80064748-C-T.
Other names: short protein forms R727*.
Identifiers: ClinVar variation 660274 (VCV000660274.29), dbSNP rs376667075, ClinGen allele CA3328156.